The following is an entry in ClinVar:

ClinVar aggregate classification (germline): Uncertain significance (1 of 4 stars; one submission).

Conditions:
Inborn genetic diseases. Identifiers: MedGen C0950123, MeSH D030342.

gnomAD v4.1: 2 of 1,593,658 alleles (0.00013%); highest among the groups gnomAD compares: Non-Finnish European, 0.00017%; no homozygotes.

Submission:

Ambry Genetics
Classification: Uncertain significance for Inborn genetic diseases. Last evaluated: 2024-06-15. Review status: criteria provided, single submitter. Criteria: Ambry Variant Classification Scheme 2023. Collection method: clinical testing. Allele origin: germline.
Comment: The p.S453R variant (also known as c.1359C>G), located in coding exon 10 of the EPAS1 gene, results from a C to G substitution at nucleotide position 1359. The serine at codon 453 is replaced by arginine, an amino acid with dissimilar properties. This amino acid position is conserved. In addition, this alteration is predicted to be tolerated by in silico analysis. Based on the available evidence, the clinical significance of this variant remains unclear.

NM_001430.5(EPAS1):c.1359C>G (p.Ser453Arg)

Gene: EPAS1 (endothelial PAS domain protein 1; plus strand). Cytogenetic location: 2p21.
Variant type: single nucleotide variant.
Coding change: c.1359C>G on transcript NM_001430.5 (MANE Select); coding-DNA position 1359, C replaced by G.
Protein change: p.Ser453Arg; replaces serine 453 with arginine.
Molecular consequence: missense variant.
Genome position (GRCh38, 1-based): chr2:46,378,003, C>G. VCF-style: chr2-46378003-C-G. GRCh37 (hg19) VCF-style: chr2-46605142-C-G.
Other names: short protein forms S453R.
Identifiers: ClinVar variation 3275672 (VCV003275672.1).